The following is an entry in ClinVar:

ClinVar aggregate classification (germline): Uncertain significance. Review status: criteria provided, multiple submitters, no conflicts (2 of 4 stars). 2 submissions from 2 submitters: Uncertain significance (2). Last evaluated 2024-09-24.

Conditions:
Inborn genetic diseases. Identifiers: MedGen C0950123, MeSH D030342.

Allele frequency attached by ClinVar (database versions not stated): gnomAD 0.00001; ExAC 0.00002; TOPMed 0.00004.
gnomAD v4.1: 5 of 1,612,646 alleles (0.00031%); highest among the groups gnomAD compares: African/African-American, 0.0027%; no homozygotes.

Submissions (2):

GeneDx
Classification: Uncertain significance. Last evaluated: 2024-09-24. Review status: criteria provided, single submitter. Criteria: GeneDx Variant Classification Process June 2021. Collection method: clinical testing. Allele origin: germline. Affected: yes.
Comment: In silico analysis supports that this missense variant has a deleterious effect on protein structure/function; Has not been previously published as pathogenic or benign to our knowledge

Ambry Genetics
Classification: Uncertain significance for Inborn genetic diseases. Last evaluated: 2021-06-10. Review status: criteria provided, single submitter. Criteria: Ambry Variant Classification Scheme 2023. Collection method: clinical testing. Allele origin: germline.
Comment: The c.3700G>A (p.D1234N) alteration is located in exon 28 (coding exon 28) of the CDC42BPB gene. This alteration results from a G to A substitution at nucleotide position 3700, causing the aspartic acid (D) at amino acid position 1234 to be replaced by an asparagine (N). Based on data from the Genome Aggregation Database (gnomAD) database, the CDC42BPB c.3700G>A alteration was observed in 0.001% (4/281,340) of total alleles studied, with a frequency of 0.006% (2/35,416) in the Latino subpopulation. This amino acid position is highly conserved in available vertebrate species. The p.D1234N alteration is predicted to be tolerated by in silico analysis. Based on insufficient or conflicting evidence, the clinical significance of this alteration remains unclear.

NM_006035.4(CDC42BPB):c.3700G>A (p.Asp1234Asn)

Gene: CDC42BPB (CDC42 binding protein kinase beta; minus strand). Cytogenetic location: 14q32.32.
Variant type: single nucleotide variant.
Coding change: c.3700G>A on transcript NM_006035.4 (MANE Select); coding-DNA position 3700, G replaced by A.
Protein change: p.Asp1234Asn; replaces aspartic acid 1234 with asparagine.
Molecular consequence: missense variant.
Genome position (GRCh38, 1-based): chr14:102,946,516, C>T on the plus strand (G>A on the coding strand, the complement: CDC42BPB is on the minus strand). VCF-style: chr14-102946516-C-T. GRCh37 (hg19) VCF-style: chr14-103412853-C-T.
Other names: c.3622G>A, p.Asp1208Asn (NM_001411054.1); short protein forms D1208N, D1234N.
Identifiers: ClinVar variation 2230982 (VCV002230982.3), dbSNP rs747398820, ClinGen allele CA7360668.